The following is an entry in ClinVar:

NM_020738.4(KIDINS220):c.3011+8T>C

Gene: KIDINS220 (kinase D interacting substrate 220; minus strand). Cytogenetic location: 2p25.1.
Variant type: single nucleotide variant.
Coding change: c.3011+8T>C on transcript NM_020738.4 (MANE Select); 8 bases into the intron after coding-DNA position 3011, T replaced by C.
Molecular consequence: intron variant.
Genome position (GRCh38, 1-based): chr2:8,770,662, A>G on the plus strand (T>C on the coding strand, the complement: KIDINS220 is on the minus strand). VCF-style: chr2-8770662-A-G. GRCh37 (hg19) VCF-style: chr2-8910792-A-G.
Other names: c.3011+8T>C (NM_001348741.2, NM_001348738.2, NM_001348742.2 and 3 more transcripts); c.3014+8T>C (NM_001348739.2, NM_001348740.2, NM_001348734.2 and 3 more transcripts); c.2885+8T>C (NM_001348736.2).
Identifiers: ClinVar variation 3049160 (VCV003049160.2), dbSNP rs375999474, ClinGen allele CA1519834.

ClinVar aggregate classification (germline): Likely benign (0 of 4 stars; one submission).

Conditions:
KIDINS220-related disorder. Also called: KIDINS220-related condition.

Allele frequency attached by ClinVar (database versions not stated): gnomAD 0.00001; ExAC 0.00002; TOPMed 0.00002; ESP Exome Variant Server 0.00009.

Submission:

PreventionGenetics, part of Exact Sciences
Classification: Likely benign for KIDINS220-related condition. Last evaluated: 2022-11-09. Review status: no assertion criteria provided. Collection method: clinical testing. Allele origin: germline.
Comment: This variant is classified as likely benign based on ACMG/AMP sequence variant interpretation guidelines (Richards et al. 2015 PMID: 25741868, with internal and published modifications).